The following is an entry in ClinVar:

ClinVar aggregate classification (germline): Benign/Likely benign. Review status: criteria provided, multiple submitters, no conflicts (2 of 4 stars). 20 submissions from 19 submitters: Benign (9); Likely benign (3). 8 of the submissions do not count toward it. Last evaluated 2026-02-04.

Conditions:
Hereditary cancer-predisposing syndrome. Also called: Tumor predisposition; Hereditary neoplastic syndrome; Neoplastic Syndromes, Hereditary; Hereditary Cancer Syndrome. Identifiers: Orphanet 140162, MedGen C0027672, MeSH D009386, MONDO:0015356.
Fanconi anemia complementation group J. Also called: BRIP1-Related Fanconi Anemia. Identifiers: Orphanet 84, MedGen C1836860, MONDO:0012187, OMIM 609054.
Familial cancer of breast. Also called: hereditary breast carcinoma; Hereditary breast cancer; BREAST CANCER, FAMILIAL. Identifiers: Orphanet 227535, MedGen C0346153, MONDO:0016419, OMIM 114480. Disease mechanism: loss of function.
Ovarian cancer. Also called: OVARIAN CANCER, SOMATIC. Identifiers: Orphanet 213500, MedGen C1140680, MONDO:0008170, OMIM 167000.
Carcinoma of colon (CRC). Also called: Colonic carcinoma; Colon carcinoma. Identifiers: MedGen C0699790, MONDO:0002032.

Allele frequency attached by ClinVar (database versions not stated): ESP Exome Variant Server 0.00023; gnomAD exomes 0.00038 and 0.00152; gnomAD 0.00055 and 0.00081; TOPMed 0.00091; ExAC 0.00135; 1000 Genomes Project 30x 0.00437; 1000 Genomes Project 0.00459.

Submissions (20):

Labcorp Genetics (formerly Invitae), Labcorp
Classification: Benign for Familial cancer of breast; Fanconi anemia complementation group J. Last evaluated: 2026-02-04. Review status: criteria provided, single submitter. Criteria: Invitae Variant Classification Sherloc (09022015). Collection method: clinical testing. Allele origin: germline.

Quest Diagnostics Nichols Institute San Juan Capistrano
Classification: Benign. Last evaluated: 2025-07-01. Review status: criteria provided, single submitter. Criteria: Quest Diagnostics criteria. Collection method: clinical testing. Allele origin: unknown.

Center for Genomic Medicine, Rigshospitalet, Copenhagen University Hospital
Classification: Benign. Last evaluated: 2025-03-04. Review status: criteria provided, single submitter. Criteria: ACMG Guidelines, 2015. Collection method: clinical testing. Allele origin: germline.

KCCC/NGS Laboratory, Kuwait Cancer Control Center
Classification: Benign for Familial cancer of breast. Last evaluated: 2025-02-01. Review status: criteria provided, single submitter. Criteria: ACMG Guidelines, 2015. Collection method: clinical testing. Allele origin: germline. Affected: no.

Blueprint Genetics
Classification: Likely benign. Last evaluated: 2024-10-11. Review status: criteria provided, single submitter. Criteria: ACMG Guidelines, 2015. Collection method: clinical testing. Allele origin: germline.

Myriad Genetics, Inc.
Classification: Likely benign for Familial cancer of breast. Last evaluated: 2023-03-01. Review status: criteria provided, single submitter. Criteria: Myriad Autosomal Dominant, Autosomal Recessive and X-Linked Classification Criteria (2023). Collection method: clinical testing. Allele origin: unknown.
Comment: This variant is considered likely benign. This variant has been observed at a population frequency that is significantly greater than expected given the associated disease prevalence and penetrance.

Sema4
Classification: Benign for Hereditary cancer-predisposing syndrome. Last evaluated: 2021-05-01. Review status: criteria provided, single submitter. Criteria: Sema4 Curation Guidelines. Collection method: curation. Allele origin: germline.

ARUP Laboratories, Molecular Genetics and Genomics, ARUP Laboratories
Classification: Likely benign. Last evaluated: 2019-09-04. Review status: criteria provided, single submitter. Criteria: ARUP Molecular Germline Variant Investigation Process. Collection method: clinical testing. Allele origin: germline.

Women's Health and Genetics/Laboratory Corporation of America, LabCorp
Classification: Benign. Last evaluated: 2016-07-01. Review status: criteria provided, single submitter. Criteria: LabCorp Variant Classification Summary - May 2015. Collection method: clinical testing. Allele origin: germline.
Comment: Variant summary: The BRIP1 c.430G>A (p.Ala144Thr) variant involves the alteration of a non-conserved nucleotide. 3/4 in silico tools predict a damaging outcome for this variant (SNPs&GO not captured due to low reliability index). This variant was found in 164/121364 control chromosomes (2 homozygotes) at a frequency of 0.0013513, which is approximately 22 times the estimated maximal expected allele frequency of a pathogenic BRIP1 variant (0.0000625), suggesting this variant is likely a benign polymorphism. In addition, multiple clinical diagnostic laboratories/reputable databases classified this variant as benign. Taken together, this variant is classified as benign.

Color Diagnostics, LLC DBA Color Health
Classification: Benign for Hereditary cancer-predisposing syndrome. Last evaluated: 2015-04-22. Review status: criteria provided, single submitter. Criteria: ACMG Guidelines, 2015. Collection method: clinical testing. Allele origin: germline.

Ambry Genetics
Classification: Benign for Hereditary cancer-predisposing syndrome. Last evaluated: 2014-08-08. Review status: criteria provided, single submitter. Criteria: Ambry Variant Classification Scheme 2023. Collection method: clinical testing. Allele origin: germline.

GeneDx
Classification: Benign. Last evaluated: 2013-12-31. Review status: criteria provided, single submitter. Criteria: GeneDx Variant Classification (06012015). Collection method: clinical testing. Allele origin: germline. Affected: yes.
Comment: This variant is considered likely benign or benign based on one or more of the following criteria: it is a conservative change, it occurs at a poorly conserved position in the protein, it is predicted to be benign by multiple in silico algorithms, and/or has population frequency not consistent with disease.

Leiden Open Variation Database
Classification: Benign. Last evaluated: 2019-08-13. Review status: no assertion criteria provided. Collection method: curation. Allele origin: germline. Affected: yes. Not counted in ClinVar's aggregate classification.
Comment: Curator: Arleen D. Auerbach. Submitter to LOVD: Yukihide Momozawa.

True Health Diagnostics
Classification: Likely benign for Hereditary cancer-predisposing syndrome. Last evaluated: 2017-10-26. Review status: no assertion criteria provided. Collection method: clinical testing. Allele origin: germline. Not counted in ClinVar's aggregate classification.

Counsyl
Classification: Benign for Fanconi anemia complementation group J. Last evaluated: 2016-08-15. Review status: no assertion criteria provided. Collection method: clinical testing. Allele origin: unknown. Not counted in ClinVar's aggregate classification.

Counsyl
Classification: Benign for Ovarian cancer. Last evaluated: 2016-08-15. Review status: no assertion criteria provided. Collection method: clinical testing. Allele origin: unknown. Not counted in ClinVar's aggregate classification.

ITMI
No classification provided. Condition: AllHighlyPenetrant. Last evaluated: 2013-09-19. Review status: no classification provided. Collection method: reference population. Allele origin: germline. Not counted in ClinVar's aggregate classification.
Comment: Please see associated publication for description of ethnicities

Clinical Genetics Laboratory, Department of Pathology, Netherlands Cancer Institute
Classification: Benign. Review status: no assertion criteria provided. Collection method: clinical testing. Allele origin: germline. Affected: yes. Study: VKGL Data-share Consensus. Not counted in ClinVar's aggregate classification.

Department of Pathology and Laboratory Medicine, Sinai Health System
Classification: Benign for Carcinoma of colon. Review status: no assertion criteria provided. Collection method: clinical testing. Allele origin: unknown. Affected: yes. Study: The Canadian Open Genetics Repository (COGR). Not counted in ClinVar's aggregate classification.
Comment: The BRIP1 p.Ala144Thr variant was identified in 7 of 3854 proband chromosomes (frequency: 0.002) from Australian, Korean, Chinese and America individuals or families with suspected Lynch Syndrome, or BRCA1/2 negative familial breast cancer, but was not identified in 186 control chromosomes (Yurgelun 2015, Lewis 2005, Kim 2016 , Cao 2009). In one study, the variant cooccurred with BRIP1 c.3401delC, and both variants were not found to segregate with breast cancer, being inherited from the father of the index case who had no personal or family history of breast cancer, and not from the affected mother with a strong family history (Lewis 2005 ). The variant was identified in ClinVar (classified as benign by GeneDx, Ambry Genetics, Invitae, Counsyl; likely benign by Illumina; and classification not provided by ITMI), Clinvitae ( classified as benign 5X, and likely benign 1X), Cosmic (1X in a bladder carcinoma, confirmed as somatic), and the Zhejiang Colon Cancer Database (3X); and was not identified in MutDB. The variant was also identified in control databases in 390 (2 homozygous) of 277018 chromosomes at a frequency of 0.001, increasing the likelihood this could be a low frequency benign variant (Genome Aggregation Consortium Feb 27, 2017), identified in the following population at a frequency greater than 1%: East Asian in 361 of 18862 chromosomes (freq: 0.019). The p.Ala144Thr residue is conserved in in mammals but not in more distantly related organisms however computational analyses (PolyPhen-2, SIFT, AlignGVGD, BLOSUM, MutationTaster) do not suggest a high likelihood of impact to the protein; this information is not predictive enough to rule out pathogenicity. The variant occurs outside of the splicing consensus sequence and in silico or computational prediction software programs (SpliceSiteFinder, MaxEntScan, NNSPLICE, GeneSplicer, HumanSpliceFinder) do not predict a difference in splicing. In summary, based on the above information this variant meets our laboratory's criteria to be classified as benign.

Joint Genome Diagnostic Labs from Nijmegen and Maastricht, Radboudumc and MUMC+
Classification: Benign. Review status: no assertion criteria provided. Collection method: clinical testing. Allele origin: germline. Affected: yes. Study: VKGL Data-share Consensus. Not counted in ClinVar's aggregate classification.

Literature cited by the submitters: PubMed 31214711 (cited by Quest Diagnostics Nichols Institute San Juan Capistrano and Leiden Open Variation Database); PubMed 36243179 (cited by Quest Diagnostics Nichols Institute San Juan Capistrano); PubMed 24728327 (cited by Quest Diagnostics Nichols Institute San Juan Capistrano and ITMI); PubMed 25980754 (cited by Quest Diagnostics Nichols Institute San Juan Capistrano and Counsyl); PubMed 16280053 (cited by Quest Diagnostics Nichols Institute San Juan Capistrano); PubMed 18483852 (cited by Quest Diagnostics Nichols Institute San Juan Capistrano); PubMed 26790966 (cited by Quest Diagnostics Nichols Institute San Juan Capistrano and Women's Health and Genetics/Laboratory Corporation of America, LabCorp); PubMed 26709662 (cited by Quest Diagnostics Nichols Institute San Juan Capistrano).

NM_032043.3(BRIP1):c.430G>A (p.Ala144Thr)

Gene: BRIP1 (BRCA1 interacting DNA helicase 1; minus strand). Cytogenetic location: 17q23.2.
Variant type: single nucleotide variant.
Coding change: c.430G>A on transcript NM_032043.3 (MANE Select); coding-DNA position 430, G replaced by A.
Protein change: p.Ala144Thr; replaces alanine 144 with threonine.
Molecular consequence: missense variant.
Genome position (GRCh38, 1-based): chr17:61,849,206, C>T on the plus strand (G>A on the coding strand, the complement: BRIP1 is on the minus strand). VCF-style: chr17-61849206-C-T. GRCh37 (hg19) VCF-style: chr17-59926567-C-T.
Other names: p.A144T:GCA>ACA; short protein forms A144T.
Identifiers: ClinVar variation 133760 (VCV000133760.42), dbSNP rs116952709, ClinGen allele CA157716.
Genomic context (GRCh38, chr17:61,849,206, plus strand): 5'-AGGGTCGAATTCTTTTCTTCTCTACTTGAAAATCATCATTTTCATCTCTGTATATGGATG[C>T]CTGTTTCTTAGCAGATAACTTTGCAGCCAGAGTGGTTTTTTCAGGGGAGTCTTATATAAG-3'
Protein context (NP_114432.2, residues 134-154): LAAKLSAKKQ[Ala144Thr]SIYRDENDDF